The following is an entry in ClinVar:

NM_021729.6(VPS11):c.1895A>C (p.Gln632Pro)

Gene: VPS11 (VPS11 core subunit of CORVET and HOPS complexes; plus strand). Cytogenetic location: 11q23.3.
Variant type: single nucleotide variant.
Coding change: c.1895A>C on transcript NM_021729.6 (MANE Select); coding-DNA position 1895, A replaced by C.
Protein change: p.Gln632Pro; replaces glutamine 632 with proline.
Molecular consequence: missense variant. On other transcripts: non-coding transcript variant (8).
Genome position (GRCh38, 1-based): chr11:119,078,306, A>C. VCF-style: chr11-119078306-A-C. GRCh37 (hg19) VCF-style: chr11-118949016-A-C.
Other names: c.1865A>C, p.Gln622Pro (NM_001290185.2); c.1907A>C, p.Gln636Pro (NM_001378218.1, NM_001378219.1); c.1880A>C, p.Gln627Pro (NM_001378220.1); c.1877A>C, p.Gln626Pro (NM_001378221.1); short protein forms Q622P, Q627P, Q632P, Q636P, Q626P.
Identifiers: ClinVar variation 2109541 (VCV002109541.4), dbSNP rs2497340264, ClinGen allele CA382977096.

ClinVar aggregate classification (germline): Uncertain significance (1 of 4 stars; one submission).

Submission:

Labcorp Genetics (formerly Invitae), Labcorp
Classification: Uncertain significance. Last evaluated: 2022-09-07. Review status: criteria provided, single submitter. Criteria: Invitae Variant Classification Sherloc (09022015). Collection method: clinical testing. Allele origin: germline.
Comment: This sequence change replaces glutamine, which is neutral and polar, with proline, which is neutral and non-polar, at codon 632 of the VPS11 protein (p.Gln632Pro). This variant is not present in population databases (gnomAD no frequency). This variant has not been reported in the literature in individuals affected with VPS11-related conditions. Experimental studies and prediction algorithms are not available or were not evaluated, and the functional significance of this variant is currently unknown. In summary, the available evidence is currently insufficient to determine the role of this variant in disease. Therefore, it has been classified as a Variant of Uncertain Significance.